The following is an entry in ClinVar:

NM_000219.6(KCNE1):c.203C>T (p.Ser68Phe)

Gene: KCNE1 (potassium voltage-gated channel subfamily E regulatory subunit 1; minus strand). Cytogenetic location: 21q22.12.
Variant type: single nucleotide variant.
Coding change: c.203C>T on transcript NM_000219.6 (MANE Select); coding-DNA position 203, C replaced by T.
Protein change: p.Ser68Phe; replaces serine 68 with phenylalanine.
Molecular consequence: missense variant.
Genome position (GRCh38, 1-based): chr21:34,449,432, G>A on the plus strand (C>T on the coding strand, the complement: KCNE1 is on the minus strand). VCF-style: chr21-34449432-G-A. GRCh37 (hg19) VCF-style: chr21-35821730-G-A.
Other names: c.203C>T, p.Ser68Phe (NM_001127668.4, NM_001127669.4, NM_001127670.4 and 4 more transcripts); short protein forms S68F.
Identifiers: ClinVar variation 3374321 (VCV003374321.2).

Conditions:
Long QT syndrome 5 (LQT5). Identifiers: Orphanet 101016, Orphanet 768, MedGen C1867904, MONDO:0013372, OMIM 613695.

Submission:

Roden Lab, Vanderbilt University Medical Center
No classification provided (evidence only). Condition: Long QT syndrome 5. Review status: no classification provided. Collection method: in vitro. Allele origin: not applicable. Functional consequence: Effect on ion channel function.
ClinVar note: "not provided" was previously submitted as the classification for the variant. However, the classification appeared to be based only on an observation of functional data so it was converted to no classification on 2025-07-30.